The following is an entry in ClinVar:

ClinVar aggregate classification (germline): Uncertain significance (1 of 4 stars; one submission).

Submission:

GeneDx
Classification: Uncertain significance. Last evaluated: 2019-07-03. Review status: criteria provided, single submitter. Criteria: GeneDx Variant Classification Process June 2021. Collection method: clinical testing. Allele origin: germline. Affected: yes.
Comment: Not observed in large population cohorts (Lek et al., 2016); In silico analysis, which includes protein predictors and evolutionary conservation, supports that this variant does not alter protein structure/function; Has not been previously published as pathogenic or benign to our knowledge

NM_005861.4(STUB1):c.116G>A (p.Gly39Asp)

Gene: STUB1 (STIP1 homology and U-box containing protein 1; plus strand). Cytogenetic location: 16p13.3.
Variant type: single nucleotide variant.
Coding change: c.116G>A on transcript NM_005861.4 (MANE Select); coding-DNA position 116, G replaced by A.
Protein change: p.Gly39Asp; replaces glycine 39 with aspartic acid.
Molecular consequence: missense variant. On other transcripts: 5 prime UTR variant (1).
Genome position (GRCh38, 1-based): chr16:680,641, G>A. VCF-style: chr16-680641-G-A. GRCh37 (hg19) VCF-style: chr16-730641-G-A.
Other names: c.-190G>A (NM_001293197.2); short protein forms G39D.
Identifiers: ClinVar variation 1306660 (VCV001306660.2), dbSNP rs2151503716, ClinGen allele CA394109980.